The following is an entry in ClinVar:

NM_173354.5(SIK1):c.967G>A (p.Val323Met)

Gene: SIK1 (salt inducible kinase 1; minus strand). Cytogenetic location: 21q22.3.
Variant type: single nucleotide variant.
Coding change: c.967G>A on transcript NM_173354.5 (MANE Select); coding-DNA position 967, G replaced by A.
Protein change: p.Val323Met; replaces valine 323 with methionine.
Molecular consequence: missense variant.
Genome position (GRCh38, 1-based): chr21:43,420,239, C>T on the plus strand (G>A on the coding strand, the complement: SIK1 is on the minus strand). VCF-style: chr21-43420239-C-T. GRCh37 (hg19) VCF-style: chr21-44840119-C-T.
Other names: c.967G>A (NM_173354.3); short protein forms V323M.
Identifiers: ClinVar variation 1976200 (VCV001976200.6), dbSNP rs893925871, ClinGen allele CA321326703.

ClinVar aggregate classification (germline): Uncertain significance. Review status: criteria provided, multiple submitters, no conflicts (2 of 4 stars). 2 submissions from 2 submitters: Uncertain significance (2). Last evaluated 2026-02-01.

Conditions:
Developmental and epileptic encephalopathy, 30 (DEE30). Also called: Epileptic encephalopathy, early infantile, 30. Identifiers: MedGen C4225360, MONDO:0014595, OMIM 616341.
Inborn genetic diseases. Identifiers: MedGen C0950123, MeSH D030342.

Submissions (2):

Labcorp Genetics (formerly Invitae), Labcorp
Classification: Uncertain significance for Developmental and epileptic encephalopathy, 30. Last evaluated: 2026-02-01. Review status: criteria provided, single submitter. Criteria: Invitae Variant Classification Sherloc (09022015). Collection method: clinical testing. Allele origin: germline.
Comment: This sequence change replaces valine, which is neutral and non-polar, with methionine, which is neutral and non-polar, at codon 323 of the SIK1 protein (p.Val323Met). The frequency data for this variant in the population databases is considered unreliable, as metrics indicate poor data quality at this position in the gnomAD database. This variant has not been reported in the literature in individuals affected with SIK1-related conditions. ClinVar contains an entry for this variant (Variation ID: 1976200). Invitae Evidence Modeling of protein sequence and biophysical properties (such as structural, functional, and spatial information, amino acid conservation, physicochemical variation, residue mobility, and thermodynamic stability) indicates that this missense variant is not expected to disrupt SIK1 protein function with a negative predictive value of 95%. In summary, the available evidence is currently insufficient to determine the role of this variant in disease. Therefore, it has been classified as a Variant of Uncertain Significance.

Ambry Genetics
Classification: Uncertain significance for Inborn genetic diseases. Last evaluated: 2025-06-25. Review status: criteria provided, single submitter. Criteria: Ambry Variant Classification Scheme 2023. Collection method: clinical testing. Allele origin: germline.